The following is an entry in ClinVar:

NM_004247.4(EFTUD2):c.148G>A (p.Asp50Asn)

Gene: EFTUD2 (elongation factor Tu GTP binding domain containing 2; minus strand). Cytogenetic location: 17q21.31.
Variant type: single nucleotide variant.
Coding change: c.148G>A on transcript NM_004247.4 (MANE Select); coding-DNA position 148, G replaced by A.
Protein change: p.Asp50Asn; replaces aspartic acid 50 with asparagine.
Molecular consequence: missense variant.
Genome position (GRCh38, 1-based): chr17:44,886,708, C>T on the plus strand (G>A on the coding strand, the complement: EFTUD2 is on the minus strand). VCF-style: chr17-44886708-C-T. GRCh37 (hg19) VCF-style: chr17-42964076-C-T.
Other names: c.43G>A, p.Asp15Asn (NM_001142605.2); c.148G>A, p.Asp50Asn (NM_001258353.2, NM_001258354.2); short protein forms D15N, D50N.
Identifiers: ClinVar variation 1208826 (VCV001208826.13), dbSNP rs148202258, ClinGen allele CA8608184.
Genomic context (GRCh38, chr17:44,886,708, plus strand): 5'-CGGCTGTTGGGTAGTACTTCTTGTCCTCATGCAGCACCACCTCCATCCCAGGGTGGTCAT[C>T]GTCATGATCTCCTACGTCATCGTCGTCGTCATCATCATCCATCTGAAAGCAAGAGGGAGA-3'
Protein context (NP_004238.3, residues 40-60): DDDDDVGDHD[Asp50Asn]DHPGMEVVLH

ClinVar aggregate classification (germline): Conflicting classifications of pathogenicity. Review status: criteria provided, conflicting classifications (1 of 4 stars). 5 submissions from 5 submitters: Uncertain significance (1); Likely benign (4). Last evaluated 2026-08-01.

Conditions:
EFTUD2-related disorder. Also called: EFTUD2-related condition.

Allele frequency attached by ClinVar (database versions not stated): 1000 Genomes Project 30x 0.00094; gnomAD exomes 0.00004 and 0.00011; ExAC 0.00012; ESP Exome Variant Server 0.00015; gnomAD 0.00025 and 0.00026; TOPMed 0.00045; 1000 Genomes Project 0.00080.
gnomAD v4.1: 111 of 1,614,124 alleles (0.0069%); highest among the groups gnomAD compares: Middle Eastern, 0.12%; 1 homozygote.

Submissions (5):

CeGaT Center for Human Genetics Tuebingen
Classification: Likely benign. Last evaluated: 2026-08-01. Review status: criteria provided, single submitter. Criteria: CeGaT Center For Human Genetics Tuebingen Variant Classification Criteria Version 2. Collection method: clinical testing. Allele origin: germline. Affected: yes. Observed: 2 variant alleles.
Comment: EFTUD2: BP4, BS1

Labcorp Genetics (formerly Invitae), Labcorp
Classification: Uncertain significance. Last evaluated: 2025-12-09. Review status: criteria provided, single submitter. Criteria: Invitae Variant Classification Sherloc (09022015). Collection method: clinical testing. Allele origin: germline.
Comment: This sequence change replaces aspartic acid, which is acidic and polar, with asparagine, which is neutral and polar, at codon 50 of the EFTUD2 protein (p.Asp50Asn). This variant is present in population databases (rs148202258, gnomAD 0.07%), including at least one homozygous and/or hemizygous individual. This variant has not been reported in the literature in individuals affected with EFTUD2-related conditions. ClinVar contains an entry for this variant (Variation ID: 1208826). An algorithm developed to predict the effect of missense changes on protein structure and function (PolyPhen-2) suggests that this variant is likely to be tolerated. In summary, the available evidence is currently insufficient to determine the role of this variant in disease. Therefore, it has been classified as a Variant of Uncertain Significance.

PreventionGenetics, part of Exact Sciences
Classification: Likely benign for EFTUD2-related condition. Last evaluated: 2025-02-19. Review status: criteria provided, single submitter. Criteria: ACMG Guidelines, 2015. Collection method: clinical testing. Allele origin: germline.
Comment: This variant is classified as likely benign based on ACMG/AMP sequence variant interpretation guidelines (Richards et al. 2015 PMID: 25741868, with internal and published modifications).

Blueprint Genetics
Classification: Likely benign. Last evaluated: 2023-09-26. Review status: criteria provided, single submitter. Criteria: ACMG Guidelines, 2015. Collection method: clinical testing. Allele origin: germline.

GeneDx
Classification: Likely benign. Last evaluated: 2020-11-08. Review status: criteria provided, single submitter. Criteria: GeneDx Variant Classification Process June 2021. Collection method: clinical testing. Allele origin: germline. Affected: yes.